The following is an entry in ClinVar:

ClinVar aggregate classification (germline): Uncertain significance. Review status: criteria provided, multiple submitters, no conflicts (2 of 4 stars). 4 submissions from 4 submitters: Uncertain significance (3). 1 of the submissions does not count toward it. Last evaluated 2024-09-13.

Conditions:
Retinitis pigmentosa 66 (RP66). Identifiers: Orphanet 791, MedGen C3715216, MONDO:0014093, OMIM 615233.
Retinitis pigmentosa (RP). Identifiers: Orphanet 791, MedGen C0035334, MeSH D012174, MONDO:0019200, OMIM 268000. Inheritance: Autosomal dominant, autosomal recessive and X linked inheritance.

Allele frequency attached by ClinVar (database versions not stated): TOPMed 0.00002.
gnomAD v4.1: 114 of 1,612,940 alleles (0.0071%); highest among the groups gnomAD compares: Non-Finnish European, 0.0091%; 1 homozygote.

Submissions (4):

Blueprint Genetics
Classification: Uncertain significance. Last evaluated: 2024-09-13. Review status: criteria provided, single submitter. Criteria: ACMG Guidelines, 2015. Collection method: clinical testing. Allele origin: germline.

Labcorp Genetics (formerly Invitae), Labcorp
Classification: Uncertain significance. Last evaluated: 2022-08-23. Review status: criteria provided, single submitter. Criteria: Invitae Variant Classification Sherloc (09022015). Collection method: clinical testing. Allele origin: germline.
Comment: This sequence change replaces glycine, which is neutral and non-polar, with serine, which is neutral and polar, at codon 741 of the RBP3 protein (p.Gly741Ser). This variant is present in population databases (rs143110000, gnomAD 0.004%). This missense change has been observed in individual(s) with clinical features of retinitis pigmentosa (PMID: 19074801). ClinVar contains an entry for this variant (Variation ID: 208315). Algorithms developed to predict the effect of missense changes on protein structure and function output the following: SIFT: "Deleterious"; PolyPhen-2: "Possibly Damaging"; Align-GVGD: "Class C0". The serine amino acid residue is found in multiple mammalian species, which suggests that this missense change does not adversely affect protein function. In summary, the available evidence is currently insufficient to determine the role of this variant in disease. Therefore, it has been classified as a Variant of Uncertain Significance.

Illumina Laboratory Services, Illumina
Classification: Uncertain significance for Retinitis pigmentosa. Last evaluated: 2018-01-12. Review status: criteria provided, single submitter. Criteria: ICSL Variant Classification Criteria 13 December 2019. Collection method: clinical testing. Allele origin: germline.

ClinVar Staff, National Center for Biotechnology Information (NCBI)
Classification: Uncertain significance for Retinitis pigmentosa 66. Last evaluated: 2013-06-27. Review status: no assertion criteria provided. Collection method: literature only. Allele origin: germline. Affected: yes. Not counted in ClinVar's aggregate classification.

Literature cited by the submitters: PubMed 19074801 (cited by Labcorp Genetics (formerly Invitae), Labcorp and ClinVar Staff, National Center for Biotechnology Information (NCBI)).

NM_002900.3(RBP3):c.2221G>A (p.Gly741Ser)

Gene: RBP3 (retinol binding protein 3; plus strand). Cytogenetic location: 10q11.22.
Variant type: single nucleotide variant.
Coding change: c.2221G>A on transcript NM_002900.3 (MANE Select); coding-DNA position 2221, G replaced by A.
Protein change: p.Gly741Ser; replaces glycine 741 with serine.
Molecular consequence: missense variant.
Genome position (GRCh38, 1-based): chr10:47,350,705, G>A. VCF-style: chr10-47350705-G-A. GRCh37 (hg19) VCF-style: chr10-48388657-C-T.
Other names: short protein forms G741S.
Identifiers: ClinVar variation 208315 (VCV000208315.8), dbSNP rs143110000, ClinGen allele CA350979.